The following is an entry in ClinVar:

ClinVar aggregate classification (germline): Uncertain significance (1 of 4 stars; one submission).

Submission:

GeneDx
Classification: Uncertain significance. Last evaluated: 2023-06-22. Review status: criteria provided, single submitter. Criteria: GeneDx Variant Classification Process June 2021. Collection method: clinical testing. Allele origin: germline. Affected: yes.
Comment: Not observed at significant frequency in large population cohorts (gnomAD); In silico analysis supports that this missense variant has a deleterious effect on protein structure/function; Has not been previously published as pathogenic or benign to our knowledge

NM_001375524.1(TRRAP):c.9796C>T (p.Arg3266Trp)

Gene: TRRAP (transformation/transcription domain associated protein; plus strand). Cytogenetic location: 7q22.1.
Variant type: single nucleotide variant.
Coding change: c.9796C>T on transcript NM_001375524.1 (MANE Select); coding-DNA position 9796, C replaced by T.
Protein change: p.Arg3266Trp; replaces arginine 3266 with tryptophan.
Molecular consequence: missense variant.
Genome position (GRCh38, 1-based): chr7:98,992,176, C>T. VCF-style: chr7-98992176-C-T. GRCh37 (hg19) VCF-style: chr7-98589799-C-T.
Other names: c.9808C>T, p.Arg3270Trp (NM_001244580.2); c.9721C>T, p.Arg3241Trp (NM_003496.4); short protein forms R3241W, R3266W, R3270W.
Identifiers: ClinVar variation 3360262 (VCV003360262.1).